The following is an entry in ClinVar:

ClinVar aggregate classification (germline): Uncertain significance. Review status: criteria provided, multiple submitters, no conflicts (2 of 4 stars). 3 submissions from 3 submitters: Uncertain significance (2). 1 of the submissions does not count toward it. Last evaluated 2024-10-08.

Conditions:
Retinitis pigmentosa 51 (RP51). Identifiers: Orphanet 791, MedGen C3150715, MONDO:0013274, OMIM 613464.
Bardet-Biedl syndrome 8 (BBS8). Identifiers: Orphanet 110, MedGen C1859566, MONDO:0014436, OMIM 615985.
Bardet-Biedl syndrome (BBS). Identifiers: Orphanet 110, MedGen C0752166, MONDO:0015229.
TTC8-related disorder. Also called: TTC8-related condition.

Allele frequency attached by ClinVar (database versions not stated): gnomAD exomes below 0.00001.
gnomAD v4.1: 3 of 1,614,102 alleles (0.00019%); highest among the groups gnomAD compares: Non-Finnish European, 0.00025%; no homozygotes.

Submissions (3):

Labcorp Genetics (formerly Invitae), Labcorp
Classification: Uncertain significance for Bardet-Biedl syndrome. Last evaluated: 2024-10-08. Review status: criteria provided, single submitter. Criteria: Invitae Variant Classification Sherloc (09022015). Collection method: clinical testing. Allele origin: germline.
Comment: This sequence change replaces isoleucine, which is neutral and non-polar, with methionine, which is neutral and non-polar, at codon 102 of the TTC8 protein (p.Ile102Met). This variant is not present in population databases (gnomAD no frequency). This variant has not been reported in the literature in individuals affected with TTC8-related conditions. ClinVar contains an entry for this variant (Variation ID: 1466211). Invitae Evidence Modeling of protein sequence and biophysical properties (such as structural, functional, and spatial information, amino acid conservation, physicochemical variation, residue mobility, and thermodynamic stability) indicates that this missense variant is not expected to disrupt TTC8 protein function with a negative predictive value of 80%. In summary, the available evidence is currently insufficient to determine the role of this variant in disease. Therefore, it has been classified as a Variant of Uncertain Significance.

Fulgent Genetics
Classification: Uncertain significance for Retinitis pigmentosa 51; Bardet-Biedl syndrome 8. Last evaluated: 2024-04-01. Review status: criteria provided, single submitter. Criteria: ACMG Guidelines, 2015. Collection method: clinical testing. Allele origin: germline.

PreventionGenetics, part of Exact Sciences
Classification: Uncertain significance for TTC8-related condition. Last evaluated: 2024-05-06. Review status: no assertion criteria provided. Collection method: clinical testing. Allele origin: germline. Not counted in ClinVar's aggregate classification.
Comment: The TTC8 c.336C>G variant is predicted to result in the amino acid substitution p.Ile112Met. To our knowledge, this variant has not been reported in the literature or in a large population database, indicating this variant is rare. At this time, the clinical significance of this variant is uncertain due to the absence of conclusive functional and genetic evidence.

NM_144596.4(TTC8):c.336C>G (p.Ile112Met)

Gene: TTC8 (tetratricopeptide repeat domain 8; plus strand). Cytogenetic location: 14q31.3.
Variant type: single nucleotide variant.
Coding change: c.336C>G on transcript NM_144596.4 (MANE Select); coding-DNA position 336, C replaced by G.
Protein change: p.Ile112Met; replaces isoleucine 112 with methionine.
Molecular consequence: missense variant. On other transcripts: 5 prime UTR variant (2), non-coding transcript variant (1).
Genome position (GRCh38, 1-based): chr14:88,841,043, C>G. VCF-style: chr14-88841043-C-G. GRCh37 (hg19) VCF-style: chr14-89307387-C-G.
Other names: c.336C>G (NM_144596.3); c.306C>G, p.Ile102Met (NM_001288781.1, NM_001366535.2, NM_001366536.2 and 2 more transcripts); c.-257C>G (NM_001288782.1); c.-352C>G (NM_001288783.1); short protein forms I102M, I112M.
Identifiers: ClinVar variation 1466211 (VCV001466211.10), dbSNP rs2140976682, ClinGen allele CA390574061.